The following is an entry in ClinVar:

NM_001082486.2(ACD):c.830-11CTC[2]

Gene: ACD (ACD shelterin complex subunit and telomerase recruitment factor; minus strand). Cytogenetic location: 16q22.1.
Variant type: Microsatellite.
Coding change: c.830-11CTC[2] on transcript NM_001082486.2 (MANE Select); two copies in a row of the 3-base unit CTC starting at c.830-11; the reference has three copies in a row; one copy, 3 bases deleted.
Molecular consequence: intron variant.
Genome position (GRCh38, 1-based): chr16:67,658,365-67,658,367, GAG deleted on the plus strand (CTC on the coding strand, the reverse complement: ACD is on the minus strand); deleting any 3 consecutive bases within chr16:67,658,365-67,658,374 gives the same sequence; the position shown is the placement nearest the transcript's 3' end. VCF-style (leftmost placement, unchanged base first): chr16-67658364-TGAG-T. GRCh37 (hg19) VCF-style: chr16-67692267-TGAG-T.
Other names: c.821-11CTC[2] (NM_022914.3); c.743-11CTC[2] (NM_001410884.1).
Identifiers: ClinVar variation 3709775 (VCV003709775.2).

ClinVar aggregate classification (germline): Uncertain significance (1 of 4 stars; one submission).

Conditions:
Dyskeratosis congenita, autosomal dominant 6 (DKCA6). Identifiers: Orphanet 3322, MedGen C4225284, MONDO:0014690, OMIM 616553.

Submission:

Labcorp Genetics (formerly Invitae), Labcorp
Classification: Uncertain significance for Dyskeratosis congenita, autosomal dominant 6. Last evaluated: 2024-06-09. Review status: criteria provided, single submitter. Criteria: Invitae Variant Classification Sherloc (09022015). Collection method: clinical testing. Allele origin: germline.
Comment: This sequence change falls in intron 9 of the ACD gene. It does not directly change the encoded amino acid sequence of the ACD protein. This variant is present in population databases (rs747119169, gnomAD 0.0009%). This variant has not been reported in the literature in individuals affected with ACD-related conditions. Algorithms developed to predict the effect of sequence changes on RNA splicing suggest that this variant may disrupt the consensus splice site. In summary, the available evidence is currently insufficient to determine the role of this variant in disease. Therefore, it has been classified as a Variant of Uncertain Significance.